The following is an entry in ClinVar:

NM_032436.4(CHAMP1):c.1557_1560del (p.Asp522fs)

Gene: CHAMP1 (chromosome alignment maintaining phosphoprotein 1; plus strand). Cytogenetic location: 13q34.
Variant type: Microsatellite.
Coding change: c.1557_1560del on transcript NM_032436.4 (MANE Select); coding-DNA positions 1557 to 1560, 4 bases deleted (CTCT; older notation c.1557_1560delCTCT).
Protein change: p.Asp522fs; shifts the reading frame from aspartic acid 522.
Molecular consequence: frameshift variant.
Genome position (GRCh38, 1-based): chr13:114,325,399-114,325,402, CTCT deleted; deleting any 4 consecutive bases within chr13:114,325,396-114,325,402 gives the same sequence; the c. name uses the placement nearest the transcript's 3' end. VCF-style (leftmost placement, unchanged base first): chr13-114325395-TTCTC-T. GRCh37 (hg19) VCF-style: chr13-115090870-TTCTC-T.
Other names: c.1557_1560del, p.Asp522fs (NM_001164144.3, NM_001164145.3); short protein forms D522fs.
Identifiers: ClinVar variation 4755750 (VCV004755750.1).

ClinVar aggregate classification (germline): Likely pathogenic (1 of 4 stars; one submission).

Submission:

GeneDx
Classification: Likely pathogenic. Last evaluated: 2025-08-05. Review status: criteria provided, single submitter. Criteria: GeneDx Variant Classification Process June 2021. Collection method: clinical testing. Allele origin: germline. Affected: yes.
Comment: Has not been previously published as pathogenic or benign to our knowledge; Frameshift variant predicted to result in abnormal protein length as the last 291 amino acid(s) are replaced with 61 different amino acid(s), and other similar variants have been reported in HGMD; Not observed at significant frequency in large population cohorts (gnomAD)